The following is an entry in ClinVar:

ClinVar aggregate classification (germline): Conflicting classifications of pathogenicity. Review status: criteria provided, conflicting classifications (1 of 4 stars). 5 submissions from 5 submitters: Uncertain significance (1); Likely benign (3). 1 of the submissions does not count toward it. Last evaluated 2026-01-31.

Conditions:
Autosomal recessive polycystic kidney disease (ARPKD). Also called: AR polycystic kidney disease. Identifiers: Orphanet 731, Orphanet 8378, MedGen C0085548, MeSH D017044, MONDO:0009889.

Allele frequency attached by ClinVar (database versions not stated): gnomAD 0.00068 and 0.00074; TOPMed 0.00083; gnomAD exomes 0.00010 and 0.00021; ExAC 0.00023; 1000 Genomes Project 30x 0.00031; 1000 Genomes Project 0.00040; ESP Exome Variant Server 0.00046.
gnomAD v4.1: 290 of 1,613,090 alleles (0.018%); highest among the groups gnomAD compares: African/African-American, 0.27%; 4 homozygotes.

Submissions (5):

Labcorp Genetics (formerly Invitae), Labcorp
Classification: Likely benign for Autosomal recessive polycystic kidney disease. Last evaluated: 2026-01-31. Review status: criteria provided, single submitter. Criteria: Invitae Variant Classification Sherloc (09022015). Collection method: clinical testing. Allele origin: germline.

Mayo Clinic Laboratories, Mayo Clinic
Classification: Likely benign. Last evaluated: 2025-06-20. Review status: criteria provided, single submitter. Criteria: ACMG Guidelines, 2015. Collection method: clinical testing. Allele origin: germline. Observed: 1 variant allele.
Comment: BS1, BP4, BP7

Blueprint Genetics
Classification: Likely benign. Last evaluated: 2024-04-10. Review status: criteria provided, single submitter. Criteria: ACMG Guidelines, 2015. Collection method: clinical testing. Allele origin: germline.

Eurofins Ntd Llc (ga)
Classification: Uncertain significance. Last evaluated: 2018-08-09. Review status: criteria provided, single submitter. Criteria: EGL ClinVar v180209 classification definitions. Collection method: clinical testing. Allele origin: germline. Observed: 3 variant alleles, 3 heterozygotes.

Natera, Inc.
Classification: Uncertain significance for Autosomal recessive polycystic kidney disease. Last evaluated: 2017-05-08. Review status: no assertion criteria provided. Collection method: clinical testing. Allele origin: germline. Not counted in ClinVar's aggregate classification.

NM_138694.4(PKHD1):c.5752-9G>A

Gene: PKHD1 (PKHD1 ciliary IPT domain containing fibrocystin/polyductin; minus strand). Cytogenetic location: 6p12.2.
Variant type: single nucleotide variant.
Coding change: c.5752-9G>A on transcript NM_138694.4 (MANE Select); 9 bases into the intron before coding-DNA position 5752, G replaced by A.
Molecular consequence: intron variant.
Genome position (GRCh38, 1-based): chr6:51,960,035, C>T on the plus strand (G>A on the coding strand, the complement: PKHD1 is on the minus strand). VCF-style: chr6-51960035-C-T. GRCh37 (hg19) VCF-style: chr6-51824833-C-T.
Other names: p.?; c.5752-9G>A (NM_170724.3).
Identifiers: ClinVar variation 498842 (VCV000498842.18), dbSNP rs184441390, ClinGen allele CA3852428.
Genomic context (GRCh38, chr6:51,960,035, plus strand): 5'-ACCAGCTGTGAGTCCTGGACCATCTCCGGCAGAACTGTAAAGAAAAGTTGCCCTGGAAAA[C>T]AGAGAGCTGGGTTGGTGGGTTGGTTGGTTGGTTGGCTGGTCTGTTGCTTCGTTGGTTGGT-3'